The following is an entry in ClinVar:

ClinVar aggregate classification (germline): Likely benign. Review status: criteria provided, multiple submitters, no conflicts (2 of 4 stars). 2 submissions from 2 submitters: Likely benign (2). Last evaluated 2025-01-25.

Conditions:
FAM161A-related disorder. Also called: FAM161A-related condition.

Allele frequency attached by ClinVar (database versions not stated): gnomAD exomes below 0.00001 and 0.00001; gnomAD 0.00001; TOPMed 0.00001.
gnomAD v4.1: 13 of 1,613,916 alleles (0.00081%); highest among the groups gnomAD compares: Admixed American, 0.0017%; no homozygotes.

Submissions (2):

PreventionGenetics, part of Exact Sciences
Classification: Likely benign for FAM161A-related condition. Last evaluated: 2025-01-25. Review status: criteria provided, single submitter. Criteria: ACMG Guidelines, 2015. Collection method: clinical testing. Allele origin: germline.
Comment: This variant is classified as likely benign based on ACMG/AMP sequence variant interpretation guidelines (Richards et al. 2015 PMID: 25741868, with internal and published modifications).

Labcorp Genetics (formerly Invitae), Labcorp
Classification: Likely benign. Last evaluated: 2023-10-26. Review status: criteria provided, single submitter. Criteria: Invitae Variant Classification Sherloc (09022015). Collection method: clinical testing. Allele origin: germline.

NM_001201543.2(FAM161A):c.771A>G (p.Lys257=)

Gene: FAM161A (FAM161 centrosomal protein A; minus strand). Cytogenetic location: 2p15.
Variant type: single nucleotide variant.
Coding change: c.771A>G on transcript NM_001201543.2 (MANE Select); coding-DNA position 771, A replaced by G.
Protein change: p.Lys257=; no amino-acid change (lysine 257 retained).
Molecular consequence: synonymous variant. On other transcripts: non-coding transcript variant (1).
Genome position (GRCh38, 1-based): chr2:61,840,233, T>C on the plus strand (A>G on the coding strand, the complement: FAM161A is on the minus strand). VCF-style: chr2-61840233-T-C. GRCh37 (hg19) VCF-style: chr2-62067368-T-C.
Other names: c.771A>G, p.Lys257= (NM_032180.3); c.771A>G (NM_001201543.1).
Identifiers: ClinVar variation 1126582 (VCV001126582.10), dbSNP rs939013046, ClinGen allele CA48477681.